The following is an entry in ClinVar:

ClinVar aggregate classification (germline): Uncertain significance (1 of 4 stars; one submission).

Conditions:
Emery-Dreifuss muscular dystrophy 5, autosomal dominant (EDMD5). Also called: EMERY-DREIFUSS MUSCULAR DYSTROPHY 5. Identifiers: Orphanet 261, MedGen C2751805, MONDO:0013072, OMIM 612999.

Allele frequency attached by ClinVar (database versions not stated): ExAC 0.00002.
gnomAD v4.1: 12 of 1,614,068 alleles (0.00074%); highest among the groups gnomAD compares: Non-Finnish European, 0.001%; no homozygotes.

Submission:

MGZ Medical Genetics Center
Classification: Uncertain significance for Emery-Dreifuss muscular dystrophy 5, autosomal dominant. Last evaluated: 2022-06-21. Review status: criteria provided, single submitter. Criteria: ACMG Guidelines, 2015. Collection method: clinical testing. Allele origin: germline. Affected: yes. Observed: 1 variant allele.
Comment: ACMG criteria applied: PM2_SUP

NM_182914.3(SYNE2):c.13583A>G (p.Asn4528Ser)

Gene: SYNE2 (spectrin repeat containing nuclear envelope protein 2; plus strand). Cytogenetic location: 14q23.2.
Variant type: single nucleotide variant.
Coding change: c.13583A>G on transcript NM_182914.3 (MANE Select); coding-DNA position 13583, A replaced by G.
Protein change: p.Asn4528Ser; replaces asparagine 4528 with serine.
Molecular consequence: missense variant.
Genome position (GRCh38, 1-based): chr14:64,126,355, A>G. VCF-style: chr14-64126355-A-G. GRCh37 (hg19) VCF-style: chr14-64593073-A-G.
Other names: c.13583A>G, p.Asn4528Ser (NM_015180.6); short protein forms N4528S.
Identifiers: ClinVar variation 1710046 (VCV001710046.2), dbSNP rs774319114, ClinGen allele CA7222506.